The following is an entry in ClinVar:

NM_007294.4(BRCA1):c.3186_3187del (p.Ser1063fs)

Gene: BRCA1 (BRCA1 DNA repair associated; minus strand). Cytogenetic location: 17q21.31.
Variant type: Deletion.
Coding change: c.3186_3187del on transcript NM_007294.4 (MANE Select); coding-DNA positions 3186 to 3187, 2 bases deleted (TT; older notation c.3186_3187delTT).
Protein change: p.Ser1063fs; shifts the reading frame from serine 1063.
Molecular consequence: frameshift variant. On other transcripts: intron variant (137).
Genome position (GRCh38, 1-based): chr17:43,092,344-43,092,345, AA deleted on the plus strand (TT on the coding strand, the reverse complement: BRCA1 is on the minus strand). VCF-style (leftmost placement, unchanged base first): chr17-43092343-GAA-G. GRCh37 (hg19) VCF-style: chr17-41244360-GAA-G.
Other names: c.2973_2974del, p.Ser992fs (NM_001407571.1, NM_001407853.1, NM_001407894.1 and 9 more transcripts); c.3186_3187del, p.Ser1063fs (NM_001407581.1, NM_001407582.1, NM_001407583.1 and 30 more transcripts); c.3183_3184del, p.Ser1062fs (NM_001407587.1, NM_001407590.1, NM_001407591.1 and 22 more transcripts); c.3177_3178del, p.Ser1060fs (NM_001407646.1, NM_001407647.1); c.3063_3064del, p.Ser1022fs (NM_001407648.1, NM_001407664.1, NM_001407665.1 and 19 more transcripts); c.3060_3061del, p.Ser1021fs (NM_001407649.1, NM_001407670.1, NM_001407671.1 and 11 more transcripts); c.3108_3109del, p.Ser1037fs (NM_001407653.1, NM_001407654.1, NM_001407655.1 and 4 more transcripts); c.3105_3106del, p.Ser1036fs (NM_001407659.1, NM_001407660.1, NM_001407661.1 and 1 more transcripts); and 41 more; short protein forms S1015fs, S1062fs, S935fs, S1016fs, S1036fs, S1037fs, S1063fs, S952fs.
Identifiers: ClinVar variation 2858159 (VCV002858159.3), dbSNP rs2552163301, ClinGen allele CA2739265626.

ClinVar aggregate classification (germline): Pathogenic (1 of 4 stars; one submission).

Conditions:
Hereditary breast ovarian cancer syndrome. Also called: Hereditary breast and ovarian cancer syndrome (HBOC); Hereditary breast and ovarian cancer syndrome; Hereditary breast and/or ovarian cancer syndrome; Hereditary breast and ovarian cancer; Breast and ovarian cancer; BRCA1- and BRCA2-Associated Hereditary Breast and Ovarian Cancer. Identifiers: Orphanet 145, MedGen C0677776, MeSH D061325, MONDO:0003582. Disease mechanism: loss of function.

Submission:

Labcorp Genetics (formerly Invitae), Labcorp
Classification: Pathogenic for Hereditary breast ovarian cancer syndrome. Last evaluated: 2023-04-22. Review status: criteria provided, single submitter. Criteria: Invitae Variant Classification Sherloc (09022015). Collection method: clinical testing. Allele origin: germline.
Comment: For these reasons, this variant has been classified as Pathogenic. This variant has not been reported in the literature in individuals affected with BRCA1-related conditions. This variant is not present in population databases (gnomAD no frequency). This sequence change creates a premature translational stop signal (p.Ser1063Glnfs*2) in the BRCA1 gene. It is expected to result in an absent or disrupted protein product. Loss-of-function variants in BRCA1 are known to be pathogenic (PMID: 20104584).

Literature cited by the submitters: PubMed 20104584.